The following is an entry in ClinVar:

ClinVar aggregate classification (germline): Uncertain significance. Review status: criteria provided, multiple submitters, no conflicts (2 of 4 stars). 2 submissions from 2 submitters: Uncertain significance (2). Last evaluated 2023-12-27.

Conditions:
Dyskeratosis congenita. Identifiers: Orphanet 1775, MedGen C0265965, MONDO:0015780.
Cerebroretinal microangiopathy with calcifications and cysts 1 (CRMCC1). Identifiers: Orphanet 313838, MedGen C4552029, MONDO:0024564, OMIM 612199.

Submissions (2):

Fulgent Genetics
Classification: Uncertain significance for Cerebroretinal microangiopathy with calcifications and cysts 1. Last evaluated: 2023-12-27. Review status: criteria provided, single submitter. Criteria: ACMG Guidelines, 2015. Collection method: clinical testing. Allele origin: germline.

Labcorp Genetics (formerly Invitae), Labcorp
Classification: Uncertain significance for Dyskeratosis congenita. Last evaluated: 2022-03-15. Review status: criteria provided, single submitter. Criteria: Invitae Variant Classification Sherloc (09022015). Collection method: clinical testing. Allele origin: germline.
Comment: In summary, the available evidence is currently insufficient to determine the role of this variant in disease. Therefore, it has been classified as a Variant of Uncertain Significance. This variant has not been reported in the literature in individuals affected with CTC1-related conditions. This variant is not present in population databases (gnomAD no frequency). This sequence change results in a frameshift in the CTC1 gene (p.Leu1196Cysfs*24). While this is not anticipated to result in nonsense mediated decay, it is expected to disrupt the last 22 amino acid(s) of the CTC1 protein and extend the protein by 1 additional amino acid residues.

NM_025099.6(CTC1):c.3585del (p.Leu1196fs)

Gene: CTC1 (CST telomere replication complex component 1; minus strand). Cytogenetic location: 17p13.1.
Variant type: Deletion.
Coding change: c.3585del on transcript NM_025099.6 (MANE Select); coding-DNA position 3585, one base deleted (A; older notation c.3585delA).
Protein change: p.Leu1196fs; shifts the reading frame from leucine 1196.
Molecular consequence: frameshift variant. On other transcripts: non-coding transcript variant (1).
Genome position (GRCh38, 1-based): chr17:8,228,249, T deleted on the plus strand (A on the coding strand, the reverse complement: CTC1 is on the minus strand). VCF-style (leftmost placement, unchanged base first): chr17-8228248-AT-A. GRCh37 (hg19) VCF-style: chr17-8131566-AT-A.
Other names: c.3354delA, p.Leu1119Cysfs (NM_001411067.1); short protein forms L1196fs.
Identifiers: ClinVar variation 2084442 (VCV002084442.5), dbSNP rs2507858543, ClinGen allele CA2580094915.
Genomic context (GRCh38, chr17:8,228,248, plus strand): 5'-AGGAAGCAAGGATCCCCAGAGAGCTGGAGTACTCTGACTCTCGGATAGAAAGGCAGGACA[AT>A]CGGAGCCTGGGGTTCACGTGAGTCAGGAAAGGGAGCTCTCCACACTGGAATCGCTGTAGC-3'